The following is an entry in ClinVar:

NM_000642.3(AGL):c.3689T>A (p.Met1230Lys)

Gene: AGL (amylo-alpha-1,6-glucosidase and 4-alpha-glucanotransferase; plus strand). Cytogenetic location: 1p21.2.
Variant type: single nucleotide variant.
Coding change: c.3689T>A on transcript NM_000642.3 (MANE Select); coding-DNA position 3689, T replaced by A.
Protein change: p.Met1230Lys; replaces methionine 1230 with lysine.
Molecular consequence: missense variant.
Genome position (GRCh38, 1-based): chr1:99,902,783, T>A. VCF-style: chr1-99902783-T-A. GRCh37 (hg19) VCF-style: chr1-100368339-T-A.
Other names: c.3689T>A, p.Met1230Lys (NM_000028.3, NM_000643.3, NM_000644.3 and 1 more transcripts); c.3641T>A, p.Met1214Lys (NM_000646.3); c.3668T>A, p.Met1223Lys (NM_001425326.1); c.3488T>A, p.Met1163Lys (NM_001425327.1); c.3485T>A, p.Met1162Lys (NM_001425328.1); c.3350T>A, p.Met1117Lys (NM_001425329.1); c.3311T>A, p.Met1104Lys (NM_001425332.1); short protein forms M1214K, M1230K, M1104K, M1117K, M1162K, M1163K, M1223K.
Identifiers: ClinVar variation 2421159 (VCV002421159.3), dbSNP rs767702630, ClinGen allele CA967174.
Genomic context (GRCh38, chr1:99,902,783, plus strand): 5'-AACACATGCAGGGCATACAGTTCCGAGAAAGGAATGCTGGTCCCCAGATAGATCGAAACA[T>A]GAAGGACGAAGGTACAGAACTTTAACTAAAATAGTACAAATTTATCAAGGTGATGAAATT-3'
Protein context (NP_000633.2, residues 1220-1240): RNAGPQIDRN[Met1230Lys]KDEGFNITAG

ClinVar aggregate classification (germline): Uncertain significance (1 of 4 stars; one submission).

Conditions:
Glycogen storage disease type III (GSD3). Also called: Cori disease; FORBES DISEASE. Identifiers: Orphanet 366, MedGen C0017922, MONDO:0009291, OMIM 232400.

Allele frequency attached by ClinVar (database versions not stated): ExAC 0.00001.

Submission:

Labcorp Genetics (formerly Invitae), Labcorp
Classification: Uncertain significance for Glycogen storage disease type III. Last evaluated: 2022-09-03. Review status: criteria provided, single submitter. Criteria: Invitae Variant Classification Sherloc (09022015). Collection method: clinical testing. Allele origin: germline.
Comment: This sequence change replaces methionine, which is neutral and non-polar, with lysine, which is basic and polar, at codon 1230 of the AGL protein (p.Met1230Lys). This variant is present in population databases (rs767702630, gnomAD 0.0009%). This variant has not been reported in the literature in individuals affected with AGL-related conditions. Algorithms developed to predict the effect of missense changes on protein structure and function (SIFT, PolyPhen-2, Align-GVGD) all suggest that this variant is likely to be disruptive. In summary, the available evidence is currently insufficient to determine the role of this variant in disease. Therefore, it has been classified as a Variant of Uncertain Significance.